The following is an entry in ClinVar:

ClinVar aggregate classification (germline): Benign/Likely benign. Review status: criteria provided, multiple submitters, no conflicts (2 of 4 stars). 3 submissions from 3 submitters: Benign (2); Likely benign (1). Last evaluated 2026-01-27.

Allele frequency attached by ClinVar (database versions not stated): gnomAD exomes 0.00128 and 0.00223; ESP Exome Variant Server 0.00167; gnomAD 0.00198 and 0.00212; ExAC 0.00208; 1000 Genomes Project 0.00260; TOPMed 0.00289; 1000 Genomes Project 30x 0.00297.
gnomAD v4.1: 2,256 of 1,610,912 alleles (0.14%); highest among the groups gnomAD compares: Admixed American, 0.65%; 13 homozygotes.

Submissions (3):

Labcorp Genetics (formerly Invitae), Labcorp
Classification: Benign. Last evaluated: 2026-01-27. Review status: criteria provided, single submitter. Criteria: Invitae Variant Classification Sherloc (09022015). Collection method: clinical testing. Allele origin: germline.

Blueprint Genetics
Classification: Likely benign. Last evaluated: 2024-11-26. Review status: criteria provided, single submitter. Criteria: ACMG Guidelines, 2015. Collection method: clinical testing. Allele origin: germline.

GeneDx
Classification: Benign. Last evaluated: 2018-01-29. Review status: criteria provided, single submitter. Criteria: GeneDx Variant Classification (06012015). Collection method: clinical testing. Allele origin: germline. Affected: yes.
Comment: This variant is considered likely benign or benign based on one or more of the following criteria: it is a conservative change, it occurs at a poorly conserved position in the protein, it is predicted to be benign by multiple in silico algorithms, and/or has population frequency not consistent with disease.

NM_020442.6(VARS2):c.2467-19C>T

Gene: VARS2 (valyl-tRNA synthetase 2, mitochondrial; plus strand). Cytogenetic location: 6p21.33.
Variant type: single nucleotide variant.
Coding change: c.2467-19C>T on transcript NM_020442.6 (MANE Select); 19 bases into the intron before coding-DNA position 2467, C replaced by T.
Molecular consequence: intron variant.
Genome position (GRCh38, 1-based): chr6:30,924,335, C>T. VCF-style: chr6-30924335-C-T. GRCh37 (hg19) VCF-style: chr6-30892112-C-T.
Other names: c.2557-19C>T (NM_001167734.2); c.2047-19C>T (NM_001167733.3).
Identifiers: ClinVar variation 386512 (VCV000386512.10), dbSNP rs183366836, ClinGen allele CA3706283.